The following is an entry in ClinVar:

NM_033380.3(COL4A5):c.1818_1871del (p.Asn607_Gly624del)

Gene: COL4A5 (collagen type IV alpha 5 chain; plus strand). Cytogenetic location: Xq22.3.
Variant type: Deletion.
Coding change: c.1818_1871del on transcript NM_033380.3 (MANE Select); coding-DNA positions 1818 to 1871, 54 bases deleted.
Protein change: p.Asn607_Gly624del.
Molecular consequence: inframe deletion.
Genome position (GRCh38, 1-based): chrX:108,598,740-108,598,793, 54 bases deleted. GRCh37 (hg19): chrX:107,841,970-107,842,023.
Other names: c.1818_1871del, p.Asn607_Gly624del (NM_000495.5).
Identifiers: ClinVar variation 2007623 (VCV002007623.4), dbSNP rs2524313994, ClinGen allele CA2580100305.

ClinVar aggregate classification (germline): Pathogenic (1 of 4 stars; one submission).

Submission:

Labcorp Genetics (formerly Invitae), Labcorp
Classification: Pathogenic. Last evaluated: 2025-09-02. Review status: criteria provided, single submitter. Criteria: Invitae Variant Classification Sherloc (09022015). Collection method: clinical testing. Allele origin: germline.
Comment: This variant, c.1818_1871del, results in the deletion of 18 amino acid(s) of the COL4A5 protein (p.Asn607_Gly624del), but otherwise preserves the integrity of the reading frame. This variant is not present in population databases (gnomAD no frequency). This variant has not been reported in the literature in individuals affected with COL4A5-related conditions. ClinVar contains an entry for this variant (Variation ID: 2007623). This variant disrupts the triple helix domain of COL4A5. Glycine residues within the Gly-Xaa-Yaa repeats of the triple helix domain are required for the structure and stability of fibrillar collagens (PMID: 7695699, 8218237, 19344236). In COL4A5, missense variants at these glycine residues are significantly enriched in individuals with disease (PMID: 23720012, 27627812) compared to the general population (ExAC). This variant disrupts a region of the COL4A5 protein in which other variant(s) (p.Pro619Leu) have been determined to be pathogenic (PMID: 11462238, 17660027, 19728970). This suggests that this is a clinically significant region of the protein, and that variants that disrupt it are likely to be disease-causing. For these reasons, this variant has been classified as Pathogenic.

Literature cited by the submitters: PubMed 7695699; PubMed 8218237; PubMed 19344236; PubMed 23720012; PubMed 27627812; PubMed 11462238; PubMed 17660027; PubMed 19728970.